The following is an entry in ClinVar:

ClinVar aggregate classification (germline): Conflicting classifications of pathogenicity. Review status: criteria provided, conflicting classifications (1 of 4 stars). 2 submissions from 1 submitter: Uncertain significance (1); Likely benign (1). Last evaluated 2018-01-12.

Conditions:
Autosomal recessive Robinow syndrome (RRS1). Also called: ROBINOW SYNDROME, AUTOSOMAL RECESSIVE 1; COSTOVERTEBRAL SEGMENTATION DEFECT WITH MESOMELIA; COVESDEM SYNDROME; ROR2-Related Robinow Syndrome. Identifiers: Orphanet 1507, Orphanet 97360, MedGen C5399974, MONDO:0009999, OMIM 268310.
Brachydactyly type B1 (BDB1). Identifiers: Orphanet 572385, Orphanet 93383, MedGen C1862112, MONDO:0007220, OMIM 113000.

Allele frequency attached by ClinVar (database versions not stated): gnomAD 0.00001; gnomAD exomes 0.00001 and 0.00002; ExAC 0.00004; 1000 Genomes Project 30x 0.00016; 1000 Genomes Project 0.00020.
gnomAD v4.1: 10 of 1,613,732 alleles (0.00062%); highest among the groups gnomAD compares: East Asian, 0.016%; no homozygotes.

Submissions (2):

Illumina Laboratory Services, Illumina
Classification: Uncertain significance for Autosomal recessive Robinow syndrome. Last evaluated: 2018-01-12. Review status: criteria provided, single submitter. Criteria: ICSL Variant Classification Criteria 13 December 2019. Collection method: clinical testing. Allele origin: germline.

Illumina Laboratory Services, Illumina
Classification: Likely benign for Brachydactyly type B1. Last evaluated: 2018-01-12. Review status: criteria provided, single submitter. Criteria: ICSL Variant Classification Criteria 13 December 2019. Collection method: clinical testing. Allele origin: germline.
Comment: This variant was observed in the ICSL laboratory as part of a predisposition screen in an ostensibly healthy population. It had not been previously curated by ICSL or reported in the Human Gene Mutation Database (HGMD: prior to June 1st, 2018), and was therefore a candidate for classification through an automated scoring system. Utilizing variant allele frequency, disease prevalence and penetrance estimates, and inheritance mode, an automated score was calculated to assess if this variant is too frequent to cause the disease. Based on the score and internal cut-off values, a variant classified as likely benign is not then subjected to further curation. The score for this variant resulted in a classification of likely benign for this disease.

NM_004560.4(ROR2):c.1184-10T>C

Gene: ROR2 (receptor tyrosine kinase like orphan receptor 2; minus strand). Cytogenetic location: 9q22.31.
Variant type: single nucleotide variant.
Coding change: c.1184-10T>C on transcript NM_004560.4 (MANE Select); 10 bases into the intron before coding-DNA position 1184, T replaced by C.
Molecular consequence: intron variant.
Genome position (GRCh38, 1-based): chr9:91,726,753, A>G on the plus strand (T>C on the coding strand, the complement: ROR2 is on the minus strand). VCF-style: chr9-91726753-A-G. GRCh37 (hg19) VCF-style: chr9-94489035-A-G.
Other names: c.1150-10T>C (NM_001318204.2).
Identifiers: ClinVar variation 367509 (VCV000367509.5), dbSNP rs184670366, ClinGen allele CA5120755.